The following is an entry in ClinVar:

ClinVar aggregate classification (germline): Uncertain significance (1 of 4 stars; one submission).

Conditions:
Microcephaly-intellectual disability-sensorineural hearing loss-epilepsy-abnormal muscle tone syndrome (NEDHSB). Also called: NEURODEVELOPMENTAL DISORDER WITH HEARING LOSS, SEIZURES, AND BRAIN ABNORMALITIES. Identifiers: Orphanet 457351, MedGen C4225276, MONDO:0014698, OMIM 616577.

Allele frequency attached by ClinVar (database versions not stated): gnomAD exomes below 0.00001; TOPMed below 0.00001.
gnomAD v4.1: 6 of 1,613,024 alleles (0.00037%); highest among the groups gnomAD compares: Non-Finnish European, 0.00051%; no homozygotes.

Submission:

Labcorp Genetics (formerly Invitae), Labcorp
Classification: Uncertain significance for Microcephaly-intellectual disability-sensorineural hearing loss-epilepsy-abnormal muscle tone syndrome. Last evaluated: 2022-08-09. Review status: criteria provided, single submitter. Criteria: Invitae Variant Classification Sherloc (09022015). Collection method: clinical testing. Allele origin: germline.
Comment: This variant is not present in population databases (gnomAD no frequency). This sequence change replaces alanine, which is neutral and non-polar, with threonine, which is neutral and polar, at codon 508 of the SPATA5 protein (p.Ala508Thr). This variant has not been reported in the literature in individuals affected with SPATA5-related conditions. In summary, the available evidence is currently insufficient to determine the role of this variant in disease. Therefore, it has been classified as a Variant of Uncertain Significance. Advanced modeling of protein sequence and biophysical properties (such as structural, functional, and spatial information, amino acid conservation, physicochemical variation, residue mobility, and thermodynamic stability) performed at Invitae indicates that this missense variant is expected to disrupt SPATA5 protein function. ClinVar contains an entry for this variant (Variation ID: 834353).

NM_145207.3(AFG2A):c.1522G>A (p.Ala508Thr)

Gene: AFG2A (AAA ATPase AFG2A; plus strand). Cytogenetic location: 4q28.1.
Variant type: single nucleotide variant.
Coding change: c.1522G>A on transcript NM_145207.3 (MANE Select); coding-DNA position 1522, G replaced by A.
Protein change: p.Ala508Thr; replaces alanine 508 with threonine.
Molecular consequence: missense variant.
Genome position (GRCh38, 1-based): chr4:122,947,296, G>A. VCF-style: chr4-122947296-G-A. GRCh37 (hg19) VCF-style: chr4-123868451-G-A.
Other names: c.1519G>A, p.Ala507Thr (NM_001317799.2, NM_001345856.2); short protein forms A508T, A507T.
Identifiers: ClinVar variation 834353 (VCV000834353.6), dbSNP rs1730078599, ClinGen allele CA358108158.
Genomic context (GRCh38, chr4:122,947,296, plus strand): 5'-GTAAGTGAAGGACAAGTGTTGGTTCTTGGGGCCACAAATCGCCCTCATGCCTTGGATGCT[G>A]CTCTCCGAAGACCTGGGCGATTTGATAAAGAGATTGAGATTGGAGTTCCCAATGCTCAGG-3'
Protein context (NP_660208.2, residues 498-518): ATNRPHALDA[Ala508Thr]LRRPGRFDKE